The following is an entry in ClinVar:

NM_001144869.3(LIPT2):c.97G>A (p.Glu33Lys)

Genes: LIPT2 (lipoyl(octanoyl) transferase 2; minus strand), LIPT2-AS1 (LIPT2 antisense RNA 1; plus strand). Cytogenetic location: 11q13.4.
Variant type: single nucleotide variant.
Coding change: c.97G>A on transcript NM_001144869.3 (MANE Select); coding-DNA position 97, G replaced by A.
Protein change: p.Glu33Lys; replaces glutamic acid 33 with lysine.
Molecular consequence: missense variant. On other transcripts: non-coding transcript variant (1).
Genome position (GRCh38, 1-based): chr11:74,493,607, C>T on the plus strand (G>A on the coding strand, the complement: LIPT2 is on the minus strand). VCF-style: chr11-74493607-C-T. GRCh37 (hg19) VCF-style: chr11-74204652-C-T.
Other names: c.97G>A, p.Glu33Lys (NM_001329941.2, NM_001329942.2); short protein forms E33K.
Identifiers: ClinVar variation 1401172 (VCV001401172.7), dbSNP rs767705184, ClinGen allele CA6184935.
Genomic context (GRCh38, chr11:74,493,607, plus strand): 5'-CGGGCTCGCAGAGCAGGAGCGCGCCCGCCTCAGTCCCCGACGGGGCCTCAATGCCTGGCT[C>T]GGCCTGCAGCCGCCGCAGCCAGCGGTCCTGCAGCCCCAGTAGCTCGGCGTACGGCACCCG-3'
Protein context (NP_001138341.1, residues 23-43): QDRWLRRLQA[Glu33Lys]PGIEAPSGTE

ClinVar aggregate classification (germline): Uncertain significance (1 of 4 stars; one submission).

Allele frequency attached by ClinVar (database versions not stated): TOPMed 0.00003; gnomAD 0.00004 and 0.00007; gnomAD exomes 0.00012 and 0.00047; ExAC 0.00237.

Submission:

Labcorp Genetics (formerly Invitae), Labcorp
Classification: Uncertain significance. Last evaluated: 2023-09-17. Review status: criteria provided, single submitter. Criteria: Invitae Variant Classification Sherloc (09022015). Collection method: clinical testing. Allele origin: germline.
Comment: In summary, the available evidence is currently insufficient to determine the role of this variant in disease. Therefore, it has been classified as a Variant of Uncertain Significance. An algorithm developed to predict the effect of missense changes on protein structure and function (PolyPhen-2) suggests that this variant¬†is likely to be tolerated. ClinVar contains an entry for this variant (Variation ID: 1401172). This variant has not been reported in the literature in individuals affected with LIPT2-related conditions. This variant is present in population databases (rs767705184, gnomAD 0.2%). This sequence change replaces glutamic acid, which is acidic and polar, with lysine, which is basic and polar, at codon 33 of the LIPT2 protein (p.Glu33Lys).